The following is an entry in ClinVar:

NC_000023.10:g.(?_32456348)_(32563461_?)del

Gene: DMD (dystrophin; minus strand). Cytogenetic location: Xp21.1.
Variant type: Deletion.
Identifiers: ClinVar variation 1075512 (VCV001075512.7).

ClinVar aggregate classification (germline): Pathogenic (1 of 4 stars; one submission).

Conditions:
Duchenne muscular dystrophy (DMD). Also called: MUSCULAR DYSTROPHY, PSEUDOHYPERTROPHIC PROGRESSIVE, DUCHENNE TYPE; Duchenne Muscular Dystrophy (DMD). Identifiers: Orphanet 98896, MedGen C0013264, MONDO:0010679, OMIM 310200.

Submission:

Labcorp Genetics (formerly Invitae), Labcorp
Classification: Pathogenic for Duchenne muscular dystrophy. Last evaluated: 2021-08-12. Review status: criteria provided, single submitter. Criteria: Invitae Variant Classification Sherloc (09022015). Collection method: clinical testing. Allele origin: germline.
Comment: This variant is a gross deletion of the genomic region encompassing exon(s) 17-29 of the DMD gene. This variant would be expected to be in-frame, preserving the integrity of the reading frame. A similar copy number variant has been observed in individual(s) with clinical features of DMD-related conditions (PMID: 22776072, 28777860). The region of the DMD gene that includes exon(s) 17-18 has been determined to be clinically significant (PMID: 25007885). Therefore, deletions that encompass that region are likely to be disease-causing. For these reasons, this variant has been classified as Pathogenic.

Literature cited by the submitters: PubMed 22776072; PubMed 28777860; PubMed 25007885.